The following is an entry in ClinVar:

ClinVar aggregate classification (germline): Uncertain significance. Review status: criteria provided, multiple submitters, no conflicts (2 of 4 stars). 2 submissions from 2 submitters: Uncertain significance (2). Last evaluated 2023-07-25.

Conditions:
Joubert syndrome. Also called: CEREBELLOPARENCHYMAL DISORDER IV; JOUBERT-BOLTSHAUSER SYNDROME; Familial aplasia of the vermis. Identifiers: Orphanet 475, MedGen C5979921, MONDO:0018772.

Allele frequency attached by ClinVar (database versions not stated): gnomAD exomes below 0.00001; gnomAD 0.00002; TOPMed 0.00002; ExAC 0.00008; 1000 Genomes Project 30x 0.00016.
gnomAD v4.1: 6 of 1,535,884 alleles (0.00039%); highest among the groups gnomAD compares: African/African-American, 0.0068%; no homozygotes.

Submissions (2):

GeneDx
Classification: Uncertain significance. Last evaluated: 2023-07-25. Review status: criteria provided, single submitter. Criteria: GeneDx Variant Classification Process June 2021. Collection method: clinical testing. Allele origin: germline. Affected: yes.
Comment: In silico analysis supports that this missense variant has a deleterious effect on protein structure/function; Has not been previously published as pathogenic or benign to our knowledge

Labcorp Genetics (formerly Invitae), Labcorp
Classification: Uncertain significance for Joubert syndrome. Last evaluated: 2022-08-06. Review status: criteria provided, single submitter. Criteria: Invitae Variant Classification Sherloc (09022015). Collection method: clinical testing. Allele origin: germline.
Comment: This sequence change replaces tyrosine, which is neutral and polar, with cysteine, which is neutral and slightly polar, at codon 34 of the TMEM216 protein (p.Tyr34Cys). This variant is present in population databases (rs189765321, gnomAD 0.03%). This variant has not been reported in the literature in individuals affected with TMEM216-related conditions. Algorithms developed to predict the effect of missense changes on protein structure and function output the following: SIFT: "Deleterious"; PolyPhen-2: "Probably Damaging"; Align-GVGD: "Class C0". The cysteine amino acid residue is found in multiple mammalian species, which suggests that this missense change does not adversely affect protein function. In summary, the available evidence is currently insufficient to determine the role of this variant in disease. Therefore, it has been classified as a Variant of Uncertain Significance.

NM_001173990.3(TMEM216):c.101A>G (p.Tyr34Cys)

Gene: TMEM216 (transmembrane protein 216; plus strand). Cytogenetic location: 11q12.2.
Variant type: single nucleotide variant.
Coding change: c.101A>G on transcript NM_001173990.3 (MANE Select); coding-DNA position 101, A replaced by G.
Protein change: p.Tyr34Cys; replaces tyrosine 34 with cysteine.
Molecular consequence: missense variant. On other transcripts: 5 prime UTR variant (2).
Genome position (GRCh38, 1-based): chr11:61,393,297, A>G. VCF-style: chr11-61393297-A-G. GRCh37 (hg19) VCF-style: chr11-61160769-A-G.
Other names: c.101A>G (NM_001173990.2); c.101A>G, p.Tyr34Cys (NM_001173991.3); c.-83A>G (NM_001330285.2, NM_016499.6); short protein forms Y34C.
Identifiers: ClinVar variation 2200512 (VCV002200512.2), dbSNP rs189765321, ClinGen allele CA6034698.
Genomic context (GRCh38, chr11:61,393,297, plus strand): 5'-GGTTGTCCTCCACCCCGCTGGAAATCCTGTTCTTTCTGAACGGGTGGTATAATGCTACCT[A>G]TTTCCTGCTGGAACTTTTCATATTTCTGTATAAAGGTAAGGAAGGCTTGGGGCTTGACGA-3'
Protein context (NP_001167461.1, residues 24-44): FFLNGWYNAT[Tyr34Cys]FLLELFIFLY